The following is an entry in ClinVar:

ClinVar aggregate classification (germline): Uncertain significance. Review status: criteria provided, multiple submitters, no conflicts (2 of 4 stars). 5 submissions from 3 submitters: Uncertain significance (5). Last evaluated 2023-04-11.

Conditions:
Retinitis pigmentosa 12 (RP12). Also called: RP WITH OR WITHOUT PRESERVED PARAARTERIOLE RETINAL PIGMENT EPITHELIUM; RETINITIS PIGMENTOSA WITH OR WITHOUT PARAARTERIOLAR PRESERVATION OF RETINAL PIGMENT EPITHELIUM; RP WITH OR WITHOUT PPRPE. Identifiers: Orphanet 791, MedGen C1838647, MONDO:0010818, OMIM 600105.
Leber congenital amaurosis 8 (LCA8). Identifiers: Orphanet 65, MedGen C3151202, MONDO:0013453, OMIM 613835.
Inborn genetic diseases. Identifiers: MedGen C0950123, MeSH D030342.
Pigmented paravenous retinochoroidal atrophy. Identifiers: Orphanet 251295, MedGen C1868310, MONDO:0008246, OMIM 172870.

Allele frequency attached by ClinVar (database versions not stated): gnomAD exomes below 0.00001; ExAC 0.00001; TOPMed 0.00001; gnomAD 0.00003.
gnomAD v4.1: 7 of 1,614,116 alleles (0.00043%); highest among the groups gnomAD compares: African/African-American, 0.0053%; no homozygotes.

Submissions (5):

Genome-Nilou Lab
Classification: Uncertain significance for Leber congenital amaurosis 8. Last evaluated: 2023-04-11. Review status: criteria provided, single submitter. Criteria: ACMG Guidelines, 2015. Collection method: clinical testing. Allele origin: germline. Affected: no.

Genome-Nilou Lab
Classification: Uncertain significance for Pigmented paravenous retinochoroidal atrophy. Last evaluated: 2023-04-11. Review status: criteria provided, single submitter. Criteria: ACMG Guidelines, 2015. Collection method: clinical testing. Allele origin: germline. Affected: no.

Genome-Nilou Lab
Classification: Uncertain significance for Retinitis pigmentosa 12. Last evaluated: 2023-04-11. Review status: criteria provided, single submitter. Criteria: ACMG Guidelines, 2015. Collection method: clinical testing. Allele origin: germline. Affected: no.

Ambry Genetics
Classification: Uncertain significance for Inborn genetic diseases. Last evaluated: 2023-03-20. Review status: criteria provided, single submitter. Criteria: Ambry Variant Classification Scheme 2023. Collection method: clinical testing. Allele origin: germline.

Labcorp Genetics (formerly Invitae), Labcorp
Classification: Uncertain significance for Leber congenital amaurosis 8; Retinitis pigmentosa 12. Last evaluated: 2022-08-21. Review status: criteria provided, single submitter. Criteria: Invitae Variant Classification Sherloc (09022015). Collection method: clinical testing. Allele origin: germline.
Comment: This sequence change replaces tyrosine, which is neutral and polar, with cysteine, which is neutral and slightly polar, at codon 541 of the CRB1 protein (p.Tyr541Cys). This variant is present in population databases (rs757083987, gnomAD 0.006%). This variant has not been reported in the literature in individuals affected with CRB1-related conditions. Algorithms developed to predict the effect of missense changes on protein structure and function output the following: SIFT: "Tolerated"; PolyPhen-2: "Benign"; Align-GVGD: "Class C0". The cysteine amino acid residue is found in multiple mammalian species, which suggests that this missense change does not adversely affect protein function. In summary, the available evidence is currently insufficient to determine the role of this variant in disease. Therefore, it has been classified as a Variant of Uncertain Significance.

NM_201253.3(CRB1):c.1622A>G (p.Tyr541Cys)

Gene: CRB1 (crumbs cell polarity complex component 1; plus strand). Cytogenetic location: 1q31.3.
Variant type: single nucleotide variant.
Coding change: c.1622A>G on transcript NM_201253.3 (MANE Select); coding-DNA position 1622, A replaced by G.
Protein change: p.Tyr541Cys; replaces tyrosine 541 with cysteine.
Molecular consequence: missense variant. On other transcripts: non-coding transcript variant (2).
Genome position (GRCh38, 1-based): chr1:197,421,450, A>G. VCF-style: chr1-197421450-A-G. GRCh37 (hg19) VCF-style: chr1-197390580-A-G.
Other names: c.1286A>G, p.Tyr429Cys (NM_001193640.2); c.1415A>G, p.Tyr472Cys (NM_001257965.2); c.1622A>G, p.Tyr541Cys (NM_001257966.2); c.1622A>G (NM_201253.2); short protein forms Y472C, Y541C, Y429C.
Identifiers: ClinVar variation 1989360 (VCV001989360.4), dbSNP rs757083987, ClinGen allele CA1311942.